The following is an entry in ClinVar:

ClinVar aggregate classification (germline): Likely benign (0 of 4 stars; one submission).

Conditions:
CIC-related disorder. Also called: CIC-related condition.

gnomAD v4.1: 1 of 1,612,606 alleles (0.000062%); highest among the groups gnomAD compares: African/African-American, 0.0013%; no homozygotes.

Submission:

PreventionGenetics, part of Exact Sciences
Classification: Likely benign for CIC-related condition. Last evaluated: 2024-05-18. Review status: no assertion criteria provided. Collection method: clinical testing. Allele origin: germline.
Comment: This variant is classified as likely benign based on ACMG/AMP sequence variant interpretation guidelines (Richards et al. 2015 PMID: 25741868, with internal and published modifications).

NM_001386298.1(CIC):c.5235T>A (p.Leu1745=)

Gene: CIC (capicua transcriptional repressor; plus strand). Cytogenetic location: 19q13.2.
Variant type: single nucleotide variant.
Coding change: c.5235T>A on transcript NM_001386298.1 (MANE Select); coding-DNA position 5235, T replaced by A.
Protein change: p.Leu1745=; no amino-acid change (leucine 1745 retained).
Molecular consequence: synonymous variant.
Genome position (GRCh38, 1-based): chr19:42,291,276, T>A. VCF-style: chr19-42291276-T-A. GRCh37 (hg19) VCF-style: chr19-42795428-T-A.
Other names: c.5235T>A, p.Leu1745= (NM_001304815.2, NM_001379480.1, NM_001379482.1); c.2508T>A, p.Leu836= (NM_001379484.1, NM_001379485.1, NM_015125.5).
Identifiers: ClinVar variation 3345328 (VCV003345328.1).